The following is an entry in ClinVar:

ClinVar aggregate classification (germline): Likely benign (1 of 4 stars; one submission).

Submission:

CeGaT Center for Human Genetics Tuebingen
Classification: Likely benign. Last evaluated: 2025-05-01. Review status: criteria provided, single submitter. Criteria: CeGaT Center For Human Genetics Tuebingen Variant Classification Criteria Version 2. Collection method: clinical testing. Allele origin: germline. Affected: yes. Observed: 1 variant allele.
Comment: H2AL1Q: BS2

NC_000023.11:g.36720047C>T

Variant type: single nucleotide variant.
Genome position: GRCh38 VCF-style: chrX-36720047-C-T. GRCh37 (hg19) VCF-style: chrX-36738120-C-T.
Identifiers: ClinVar variation 3905640 (VCV003905640.10).